The following is an entry in ClinVar:

ClinVar aggregate classification (germline): Likely benign (1 of 4 stars; one submission).

gnomAD v4.1: 2 of 1,584,518 alleles (0.00013%); highest among the groups gnomAD compares: Non-Finnish European, 0.00017%; no homozygotes.

Submission:

CeGaT Center for Human Genetics Tuebingen
Classification: Likely benign. Last evaluated: 2025-05-01. Review status: criteria provided, single submitter. Criteria: CeGaT Center For Human Genetics Tuebingen Variant Classification Criteria Version 2. Collection method: clinical testing. Allele origin: germline. Affected: yes. Observed: 1 variant allele.
Comment: ASH1L: BP4

NM_018489.3(ASH1L):c.419G>T (p.Arg140Leu)

Gene: ASH1L (ASH1 like histone lysine methyltransferase; minus strand). Cytogenetic location: 1q22.
Variant type: single nucleotide variant.
Coding change: c.419G>T on transcript NM_018489.3 (MANE Select); coding-DNA position 419, G replaced by T.
Protein change: p.Arg140Leu; replaces arginine 140 with leucine.
Molecular consequence: missense variant.
Genome position (GRCh38, 1-based): chr1:155,521,101, C>A on the plus strand (G>T on the coding strand, the complement: ASH1L is on the minus strand). VCF-style: chr1-155521101-C-A. GRCh37 (hg19) VCF-style: chr1-155490892-C-A.
Other names: c.419G>T, p.Arg140Leu (NM_001366177.2); short protein forms R140L.
Identifiers: ClinVar variation 3905733 (VCV003905733.10).